The following is an entry in ClinVar:

NM_000466.3(PEX1):c.1588-4G>C

Gene: PEX1 (peroxisomal biogenesis factor 1; minus strand). Cytogenetic location: 7q21.2.
Variant type: single nucleotide variant.
Coding change: c.1588-4G>C on transcript NM_000466.3 (MANE Select); 4 bases into the intron before coding-DNA position 1588, G replaced by C.
Molecular consequence: intron variant.
Genome position (GRCh38, 1-based): chr7:92,509,415, C>G on the plus strand (G>C on the coding strand, the complement: PEX1 is on the minus strand). VCF-style: chr7-92509415-C-G. GRCh37 (hg19) VCF-style: chr7-92138729-C-G.
Other names: c.1588-4G>C (NM_001282677.2); c.964-4G>C (NM_001282678.2).
Identifiers: ClinVar variation 3061077 (VCV003061077.2), dbSNP rs2484682187, ClinGen allele CA2740097398.

ClinVar aggregate classification (germline): Likely benign (0 of 4 stars; one submission).

Conditions:
PEX1-related disorder. Also called: PEX1-related condition.

Submission:

PreventionGenetics, part of Exact Sciences
Classification: Likely benign for PEX1-related condition. Last evaluated: 2024-02-26. Review status: no assertion criteria provided. Collection method: clinical testing. Allele origin: germline.
Comment: This variant is classified as likely benign based on ACMG/AMP sequence variant interpretation guidelines (Richards et al. 2015 PMID: 25741868, with internal and published modifications).